The following is an entry in ClinVar:

ClinVar aggregate classification (germline): Conflicting classifications of pathogenicity. Review status: criteria provided, conflicting classifications (1 of 4 stars). 3 submissions from 3 submitters: Pathogenic (1); Uncertain significance (2). Last evaluated 2023-08-30.

Conditions:
Inborn genetic diseases. Identifiers: MedGen C0950123, MeSH D030342.
Multiple congenital anomalies-hypotonia-seizures syndrome 2 (MCAHS2). Also called: EPILEPTIC ENCEPHALOPATHY, EARLY INFANTILE, 20; GLYCOSYLPHOSPHATIDYLINOSITOL BIOSYNTHESIS DEFECT 4. Identifiers: Orphanet 300496, MedGen C3275508, MONDO:0010466, OMIM 300868.

Submissions (3):

Labcorp Genetics (formerly Invitae), Labcorp
Classification: Pathogenic for Multiple congenital anomalies-hypotonia-seizures syndrome 2. Last evaluated: 2023-08-30. Review status: criteria provided, single submitter. Criteria: Invitae Variant Classification Sherloc (09022015). Collection method: clinical testing. Allele origin: germline.
Comment: For these reasons, this variant has been classified as Pathogenic. Advanced modeling of protein sequence and biophysical properties (such as structural, functional, and spatial information, amino acid conservation, physicochemical variation, residue mobility, and thermodynamic stability) performed at Invitae indicates that this missense variant is expected to disrupt PIGA protein function. ClinVar contains an entry for this variant (Variation ID: 391835). This variant is also known as p.Arg41Trp. This missense change has been observed in individual(s) with clinical features of PIGA-related conditions (PMID: 29314583, 31164858; Invitae). In at least one individual the variant was observed to be de novo. This variant is not present in population databases (gnomAD no frequency). This sequence change replaces arginine, which is basic and polar, with tryptophan, which is neutral and slightly polar, at codon 275 of the PIGA protein (p.Arg275Trp).

Ambry Genetics
Classification: Uncertain significance for Inborn genetic diseases. Last evaluated: 2020-04-03. Review status: criteria provided, single submitter. Criteria: Ambry Variant Classification Scheme 2023. Collection method: clinical testing. Allele origin: germline.
Comment: The p.R275W variant (also known as c.823C>T), located in coding exon 2 of the PIGA gene, results from a C to T substitution at nucleotide position 823. The arginine at codon 275 is replaced by tryptophan, an amino acid with dissimilar properties. This variant has been reported in two individuals with epileptic encephalopathy, including one de novo case (Zhou P et al. Genes Brain Behav., 2018 11;17:e12456; Demos M et al. Front Neurol, 2019 May;10:434). This amino acid position is highly conserved in available vertebrate species. In addition, this alteration is predicted to be deleterious by in silico analysis. Since supporting evidence is limited at this time, the clinical significance of this alteration remains unclear.

GeneDx
Classification: Uncertain significance. Last evaluated: 2017-01-05. Review status: criteria provided, single submitter. Criteria: GeneDx Variant Classification (06012015). Collection method: clinical testing. Allele origin: germline. Affected: yes.
Comment: The R275W variant in the PIGA gene has not been reported previously as a pathogenic variant, nor as a benign variant, to our knowledge. The R275W variant was not observed in approximately 6500 individuals of European and African American ancestry in the NHLBI Exome Sequencing Project, indicating it is not a common benign variant in these populations. The R275W variant is a non-conservative amino acid substitution, which is likely to impact secondary protein structure as these residues differ in polarity, charge, size and/or other properties. This substitution occurs at a position that is conserved across species, and in silico analysis predicts this variant is probably damaging to the protein structure/function. We interpret R275W as a variant of uncertain significance.

Literature cited by the submitters: PubMed 29314583 (cited by Labcorp Genetics (formerly Invitae), Labcorp and Ambry Genetics); PubMed 31164858 (cited by Labcorp Genetics (formerly Invitae), Labcorp and Ambry Genetics).

NM_002641.4(PIGA):c.823C>T (p.Arg275Trp)

Gene: PIGA (phosphatidylinositol glycan anchor biosynthesis class A; minus strand). Cytogenetic location: Xp22.2.
Variant type: single nucleotide variant.
Coding change: c.823C>T on transcript NM_002641.4 (MANE Select); coding-DNA position 823, C replaced by T.
Protein change: p.Arg275Trp; replaces arginine 275 with tryptophan.
Molecular consequence: missense variant. On other transcripts: non-coding transcript variant (2).
Genome position (GRCh38, 1-based): chrX:15,325,939, G>A on the plus strand (C>T on the coding strand, the complement: PIGA is on the minus strand). VCF-style: chrX-15325939-G-A. GRCh37 (hg19) VCF-style: chrX-15344061-G-A.
Other names: c.121C>T, p.Arg41Trp (NM_020473.3); short protein forms R275W, R41W.
Identifiers: ClinVar variation 391835 (VCV000391835.12), dbSNP rs1057524256, ClinGen allele CA16609132.